The following is an entry in ClinVar:

NM_004539.4(NARS1):c.482C>A (p.Ala161Glu)

Gene: NARS1 (asparaginyl-tRNA synthetase 1; minus strand). Cytogenetic location: 18q21.31.
Variant type: single nucleotide variant.
Coding change: c.482C>A on transcript NM_004539.4 (MANE Select); coding-DNA position 482, C replaced by A.
Protein change: p.Ala161Glu; replaces alanine 161 with glutamic acid.
Molecular consequence: missense variant.
Genome position (GRCh38, 1-based): chr18:57,611,647, G>T on the plus strand (C>A on the coding strand, the complement: NARS1 is on the minus strand). VCF-style: chr18-57611647-G-T. GRCh37 (hg19) VCF-style: chr18-55278879-G-T.
Other names: short protein forms A161E.
Identifiers: ClinVar variation 2648756 (VCV002648756.24), dbSNP rs765305444, ClinGen allele CA8973706.

ClinVar aggregate classification (germline): Likely benign (1 of 4 stars; one submission).

Allele frequency attached by ClinVar (database versions not stated): ExAC 0.00001.
gnomAD v4.1: 7 of 1,591,944 alleles (0.00044%); highest among the groups gnomAD compares: South Asian, 0.0034%; no homozygotes.

Submission:

CeGaT Center for Human Genetics Tuebingen
Classification: Likely benign. Last evaluated: 2022-08-01. Review status: criteria provided, single submitter. Criteria: CeGaT Center For Human Genetics Tuebingen Variant Classification Criteria Version 2. Collection method: clinical testing. Allele origin: germline. Affected: yes. Observed: 1 variant allele.
Comment: NARS1: PM2, BP4, BS2